The following is an entry in ClinVar:

ClinVar aggregate classification (germline): Uncertain significance (1 of 4 stars; one submission).

Conditions:
Cardiovascular phenotype. Identifiers: MedGen CN230736.

Submission:

Ambry Genetics
Classification: Uncertain significance for Cardiovascular phenotype. Last evaluated: 2025-10-31. Review status: criteria provided, single submitter. Criteria: Ambry Variant Classification Scheme 2023. Collection method: clinical testing. Allele origin: germline.
Comment: The p.M1377V variant (also known as c.4129A>G), located in coding exon 50 of the COL1A1 gene, results from an A to G substitution at nucleotide position 4129. The methionine at codon 1377 is replaced by valine, an amino acid with highly similar properties. This amino acid position is well conserved in available vertebrate species. In addition, the in silico prediction for this alteration is inconclusive. Based on the available evidence, the clinical significance of this variant remains unclear.

NM_000088.4(COL1A1):c.4129A>G (p.Met1377Val)

Gene: COL1A1 (collagen type I alpha 1 chain; minus strand). Cytogenetic location: 17q21.33.
Variant type: single nucleotide variant.
Coding change: c.4129A>G on transcript NM_000088.4 (MANE Select); coding-DNA position 4129, A replaced by G.
Protein change: p.Met1377Val; replaces methionine 1377 with valine.
Molecular consequence: missense variant.
Genome position (GRCh38, 1-based): chr17:50,185,897, T>C on the plus strand (A>G on the coding strand, the complement: COL1A1 is on the minus strand). VCF-style: chr17-50185897-T-C. GRCh37 (hg19) VCF-style: chr17-48263258-T-C.
Other names: short protein forms M1377V.
Identifiers: ClinVar variation 4613910 (VCV004613910.1).